The following is an entry in ClinVar:

NM_018127.7(ELAC2):c.520G>T (p.Glu174Ter)

Gene: ELAC2 (elaC ribonuclease Z 2; minus strand). Cytogenetic location: 17p12.
Variant type: single nucleotide variant.
Coding change: c.520G>T on transcript NM_018127.7 (MANE Select); coding-DNA position 520, G replaced by T.
Protein change: p.Glu174Ter; replaces glutamic acid 174 with a stop codon.
Molecular consequence: nonsense.
Genome position (GRCh38, 1-based): chr17:13,013,246, C>A on the plus strand (G>T on the coding strand, the complement: ELAC2 is on the minus strand). VCF-style: chr17-13013246-C-A. GRCh37 (hg19) VCF-style: chr17-12916563-C-A.
Other names: c.520G>T, p.Glu174Ter (NM_001165962.2, NM_173717.2); short protein forms E174*.
Identifiers: ClinVar variation 665972 (VCV000665972.5), dbSNP rs374954001, ClinGen allele CA398217729.

ClinVar aggregate classification (germline): Pathogenic (1 of 4 stars; one submission).

Conditions:
Combined oxidative phosphorylation defect type 17. Also called: Combined oxidative phosphorylation deficiency 17. Identifiers: Orphanet 369913, MedGen C3809526, MONDO:0014190, OMIM 615440.

Submission:

Labcorp Genetics (formerly Invitae), Labcorp
Classification: Pathogenic for Combined oxidative phosphorylation defect type 17. Last evaluated: 2022-07-12. Review status: criteria provided, single submitter. Criteria: Invitae Variant Classification Sherloc (09022015). Collection method: clinical testing. Allele origin: germline.
Comment: For these reasons, this variant has been classified as Pathogenic. ClinVar contains an entry for this variant (Variation ID: 665972). This variant has not been reported in the literature in individuals affected with ELAC2-related conditions. This variant is not present in population databases (gnomAD no frequency). This sequence change creates a premature translational stop signal (p.Glu174*) in the ELAC2 gene. It is expected to result in an absent or disrupted protein product. Loss-of-function variants in ELAC2 are known to be pathogenic (PMID: 27769300, 31045291).

Literature cited by the submitters: PubMed 27769300; PubMed 31045291.